The following is an entry in ClinVar:

ClinVar aggregate classification (germline): Uncertain significance (1 of 4 stars; one submission).

Submission:

GeneDx
Classification: Uncertain significance. Last evaluated: 2026-01-22. Review status: criteria provided, single submitter. Criteria: GeneDx Variant Classification Process June 2021. Collection method: clinical testing. Allele origin: germline.
Comment: Not observed at significant frequency in large population cohorts (gnomAD); In silico analysis supports that this missense variant has a deleterious effect on protein structure/function; Has not been previously published as pathogenic or benign to our knowledge

NM_017617.5(NOTCH1):c.7031A>T (p.His2344Leu)

Gene: NOTCH1 (notch receptor 1; minus strand). Cytogenetic location: 9q34.3.
Variant type: single nucleotide variant.
Coding change: c.7031A>T on transcript NM_017617.5 (MANE Select); coding-DNA position 7031, A replaced by T.
Protein change: p.His2344Leu; replaces histidine 2344 with leucine.
Molecular consequence: missense variant.
Genome position (GRCh38, 1-based): chr9:136,496,708, T>A on the plus strand (A>T on the coding strand, the complement: NOTCH1 is on the minus strand). VCF-style: chr9-136496708-T-A. GRCh37 (hg19) VCF-style: chr9-139391160-T-A.
Other names: short protein forms H2344L.
Identifiers: ClinVar variation 4975493 (VCV004975493.1).